The following is an entry in ClinVar:

NM_000719.7(CACNA1C):c.3878G>A (p.Gly1293Asp)

Gene: CACNA1C (calcium voltage-gated channel subunit alpha1 C; plus strand). Cytogenetic location: 12p13.33.
Variant type: single nucleotide variant.
Coding change: c.3878G>A on transcript NM_000719.7 (MANE Select); coding-DNA position 3878, G replaced by A.
Protein change: p.Gly1293Asp; replaces glycine 1293 with aspartic acid.
Molecular consequence: missense variant. On other transcripts: intron variant (6).
Genome position (GRCh38, 1-based): chr12:2,634,346, G>A. VCF-style: chr12-2634346-G-A. GRCh37 (hg19) VCF-style: chr12-2743512-G-A.
Other names: c.3878G>A, p.Gly1293Asp (NM_001129830.3, NM_001129834.2, NM_001129835.2 and 8 more transcripts); c.3962G>A, p.Gly1321Asp (NM_001129831.2, NM_001129836.2); c.3938G>A, p.Gly1313Asp (NM_001129832.2); c.3912+634G>A (NM_001129841.2, NM_001167624.3, NM_001167623.2 and 2 more transcripts); c.3903+634G>A (NM_001129844.2); c.4022G>A, p.Gly1341Asp (NM_001129827.2, NM_199460.4); short protein forms G1293D, G1313D, G1321D, G1341D.
Identifiers: ClinVar variation 5019137 (VCV005019137.2).
Genomic context (GRCh38, chr12:2,634,346, plus strand): 5'-GCCCCATGCAGCACTATTTCTGTGATGCATGGAATACATTTGACGCCTTGATTGTTGTGG[G>A]TAGCATTGTTGATATAGCAATCACCGAGGTAAACGTAAGTACATGGCGTCTGTCCCTAAC-3'
Protein context (NP_000710.5, residues 1283-1303): WNTFDALIVV[Gly1293Asp]SIVDIAITEV

ClinVar aggregate classification (germline): Uncertain significance (1 of 4 stars; one submission).

Conditions:
Neurodevelopmental disorder with hypotonia, language delay, and skeletal defects with or without seizures (NEDHLSS). Identifiers: MedGen C5774213, MONDO:0859286, OMIM 620029.
Long QT syndrome 8. Identifiers: MedGen CN260585, MONDO:0032756, OMIM 618447.
Timothy syndrome (TS). Also called: LONG QT SYNDROME WITH SYNDACTYLY. Identifiers: Orphanet 65283, MedGen C1832916, MeSH C536962, MONDO:0010979, OMIM 601005.
Brugada syndrome 3 (BRGDA3). Identifiers: Orphanet 130, MedGen C2678478, MONDO:0012742, OMIM 611875.

Submission:

Juno Genomics, Hangzhou Juno Genomics, Inc
Classification: Uncertain significance for Timothy syndrome; Neurodevelopmental disorder with hypotonia, language delay, and skeletal defects with or without seizures; Brugada syndrome 3; Long QT syndrome 8. Review status: criteria provided, single submitter. Criteria: ACMG Guidelines, 2015. Collection method: clinical testing. Allele origin: germline.
Comment: Absent from controls (or at extremely low frequency if recessive) in Genome Aggregation Database.;Multiple lines of computational evidence support a deleterious effect on the gene or gene product.;Missense variant in a gene that has a low rate of benign missense variation.